The following is an entry in ClinVar:

ClinVar aggregate classification (germline): Pathogenic. Review status: reviewed by expert panel (3 of 4 stars). 2 submissions from 2 submitters: Pathogenic (1). 1 of the submissions does not count toward it. Last evaluated 2026-11-20.

Conditions:
Primary ciliary dyskinesia. Also called: Ciliary dyskinesia. Identifiers: Orphanet 244, MedGen C0008780, MONDO:0016575, HP:0012265.
RPGR-related retinopathy. Also called: RPGR retinopathy. Identifiers: MedGen CN305589, MONDO:0100437.

Submissions (2):

ClinGen X-linked Inherited Retinal Disease Variant Curation Expert Panel, ClinGen
Classification: Pathogenic for RPGR-related retinopathy. Last evaluated: 2026-11-20. Review status: reviewed by expert panel. Criteria: ClinGen X LinkedIRD ACMG Specifications RPGR V1.0.0. Collection method: curation. Allele origin: germline. Inheritance: X-linked inheritance.
Comment: The NM_001034853.2(RPGR):c.2194del (p.Glu732ArgfsTer83) variant is a frameshift variant that introduces a premature stop codon between amino acids 1-1132 that is predicted to either trigger nonsense-mediated decay or to disrupt a critical C-terminal region required for proper glutamylation of RPGR (PVS1, PMID: 36445968). This variant is absent from hemizygous individuals in gnomAD v4.1.2 (PM2_Supporting). This variant has been reported in at least 2 apparently unrelated probands meeting one of the PS4 requirements of a male with some functional vision impairment by age 30 and/or decreased or absent ERG responses, or a female with functional visual abnormality and documentation of a male relative affected with retinitis pigmentosa (PMIDs: 26164827, 32098976, PS4_Supporting). In summary, this variant is classified as Pathogenic for RPGR-related retinopathy based on the ClinGen X-linked Inherited Retinal Disease Expert Panel Specifications to the ACMG/AMP Variant Interpretation Guidelines for RPGR, Version 1.0.0, using the following evidence codes: PVS1, PS4_supporting, and PM2_Supporting.

Labcorp Genetics (formerly Invitae), Labcorp
Classification: Pathogenic for Primary ciliary dyskinesia. Last evaluated: 2025-03-17. Review status: criteria provided, single submitter. Criteria: Invitae Variant Classification Sherloc (09022015). Collection method: clinical testing. Allele origin: germline. Not counted in ClinVar's aggregate classification.
Comment: This sequence change creates a premature translational stop signal (p.Glu732Argfs*83) in the RPGR (ORF15) gene. While this is not anticipated to result in nonsense mediated decay, it is expected to disrupt the last 421 amino acid(s) of the RPGR (ORF15) protein. This variant is not present in population databases (gnomAD no frequency). This premature translational stop signal has been observed in individual(s) with RPGR-related conditions (PMID: 32000842). ClinVar contains an entry for this variant (Variation ID: 2780464). This variant disrupts a region of the RPGR (ORF15) protein in which other variant(s) (p.Leu1130Lysfs*13) have been determined to be pathogenic (PMID: 22264887; internal data). This suggests that this is a clinically significant region of the protein, and that variants that disrupt it are likely to be disease-causing. For these reasons, this variant has been classified as Pathogenic.

Literature cited by the submitters: PubMed 32000842 (cited by Labcorp Genetics (formerly Invitae), Labcorp); PubMed 22264887 (cited by Labcorp Genetics (formerly Invitae), Labcorp).

NM_001034853.2(RPGR):c.2194del (p.Glu732fs)

Gene: RPGR (retinitis pigmentosa GTPase regulator; minus strand). Cytogenetic location: Xp11.4.
Variant type: Deletion.
Coding change: c.2194del on transcript NM_001034853.2 (MANE Select); coding-DNA position 2194, one base deleted (G; older notation c.2194delG).
Protein change: p.Glu732fs; shifts the reading frame from glutamic acid 732.
Molecular consequence: frameshift variant. On other transcripts: intron variant (8).
Genome position (GRCh38, 1-based): chrX:38,286,805, C deleted on the plus strand (G on the coding strand, the reverse complement: RPGR is on the minus strand); the first of 4 consecutive C bases (chrX:38,286,805-38,286,808); deleting any one gives the same sequence. VCF-style (leftmost placement, unchanged base first): chrX-38286804-TC-T. GRCh37 (hg19) VCF-style: chrX-38146057-TC-T.
Other names: NM_001034853.2:c.2194del; c.1569+4154del (NM_001367249.1, NM_001367250.1); c.1902+289del (NM_001367245.1); c.1386+4154del (NM_001367251.1); c.1719+289del (NM_001367246.1); c.1572+4154del (NM_001367247.1); c.1905+289del (NM_000328.3); c.1602+4154del (NM_001367248.1); short protein forms E732fs.
Identifiers: ClinVar variation 2780464 (VCV002780464.4), dbSNP rs2519793036, ClinGen allele CA2580618270.